The following is an entry in ClinVar:

NM_001375.3(DNASE2):c.127G>C (p.Glu43Gln)

Genes: DNASE2 (deoxyribonuclease 2, lysosomal; minus strand), LOC117125588 (CRISPRi-FlowFISH-validated KLF1 regulatory element 1; plus strand). Cytogenetic location: 19p13.13.
Variant type: single nucleotide variant.
Coding change: c.127G>C on transcript NM_001375.3 (MANE Select); coding-DNA position 127, G replaced by C.
Protein change: p.Glu43Gln; replaces glutamic acid 43 with glutamine.
Molecular consequence: missense variant.
Genome position (GRCh38, 1-based): chr19:12,881,112, C>G on the plus strand (G>C on the coding strand, the complement: DNASE2 is on the minus strand). VCF-style: chr19-12881112-C-G. GRCh37 (hg19) VCF-style: chr19-12991926-C-G.
Other names: short protein forms E43Q.
Identifiers: ClinVar variation 1969866 (VCV001969866.2), dbSNP rs779530442, ClinGen allele CA404303696.
Genomic context (GRCh38, chr19:12,881,112, plus strand): 5'-CCCGCCAGCCTCCGGAGCTCTCGTCCAGATACTTGTACTGCAGCCCTCTCTGCGCCGCCT[C>G]CCCGGACCCTCTAAGAGCTGGCAGCTTGTAGACCACGAACCTGGAGGTCGGAGAATGCAC-3'
Protein context (NP_001366.1, residues 33-53): YKLPALRGSG[Glu43Gln]AAQRGLQYKY

ClinVar aggregate classification (germline): Uncertain significance (1 of 4 stars; one submission).

Allele frequency attached by ClinVar (database versions not stated): gnomAD 0.00001.
gnomAD v4.1: 2 of 1,611,770 alleles (0.00012%); highest among the groups gnomAD compares: Admixed American, 0.0017%; no homozygotes.

Submission:

Labcorp Genetics (formerly Invitae), Labcorp
Classification: Uncertain significance. Last evaluated: 2021-12-19. Review status: criteria provided, single submitter. Criteria: Invitae Variant Classification Sherloc (09022015). Collection method: clinical testing. Allele origin: germline.
Comment: This sequence change replaces glutamic acid, which is acidic and polar, with glutamine, which is neutral and polar, at codon 43 of the DNASE2 protein (p.Glu43Gln). This variant is not present in population databases (gnomAD no frequency). This variant has not been reported in the literature in individuals affected with DNASE2-related conditions. Algorithms developed to predict the effect of missense changes on protein structure and function (SIFT, PolyPhen-2, Align-GVGD) all suggest that this variant is likely to be tolerated. In summary, the available evidence is currently insufficient to determine the role of this variant in disease. Therefore, it has been classified as a Variant of Uncertain Significance.